The following is an entry in ClinVar:

NM_000426.4(LAMA2):c.1291A>T (p.Lys431Ter)

Gene: LAMA2 (laminin subunit alpha 2; plus strand). Cytogenetic location: 6q22.33.
Variant type: single nucleotide variant.
Coding change: c.1291A>T on transcript NM_000426.4 (MANE Select); coding-DNA position 1291, A replaced by T.
Protein change: p.Lys431Ter; replaces lysine 431 with a stop codon.
Molecular consequence: nonsense.
Genome position (GRCh38, 1-based): chr6:129,165,660, A>T. VCF-style: chr6-129165660-A-T. GRCh37 (hg19) VCF-style: chr6-129486805-A-T.
Other names: c.1291A>T, p.Lys431Ter (NM_001079823.2); short protein forms K431*.
Identifiers: ClinVar variation 647980 (VCV000647980.10), dbSNP rs1583169165, ClinGen allele CA365607347.

ClinVar aggregate classification (germline): Pathogenic/Likely pathogenic. Review status: criteria provided, multiple submitters, no conflicts (2 of 4 stars). 3 submissions from 3 submitters: Pathogenic (2); Likely pathogenic (1). Last evaluated 2025-11-10.

Conditions:
LAMA2-related muscular dystrophy (LAMA2-RD). Also called: Laminin alpha 2-related dystrophy. Identifiers: MedGen C5679788, MONDO:0100228.

Allele frequency attached by ClinVar (database versions not stated): gnomAD exomes below 0.00001; TOPMed below 0.00001.
gnomAD v4.1: 1 of 1,608,930 alleles (0.000062%); highest among the groups gnomAD compares: African/African-American, 0.0013%; no homozygotes.

Submissions (3):

Labcorp Genetics (formerly Invitae), Labcorp
Classification: Pathogenic for LAMA2-related muscular dystrophy. Last evaluated: 2025-11-10. Review status: criteria provided, single submitter. Criteria: Invitae Variant Classification Sherloc (09022015). Collection method: clinical testing. Allele origin: germline.
Comment: This sequence change creates a premature translational stop signal (p.Lys431*) in the LAMA2 gene. It is expected to result in an absent or disrupted protein product. Loss-of-function variants in LAMA2 are known to be pathogenic (PMID: 18700894, 32904964). This variant is not present in population databases (gnomAD no frequency). This variant has not been reported in the literature in individuals affected with LAMA2-related conditions. ClinVar contains an entry for this variant (Variation ID: 647980). For these reasons, this variant has been classified as Pathogenic.

Myriad Genetics, Inc.
Classification: Pathogenic for LAMA2-related muscular dystrophy. Last evaluated: 2024-05-08. Review status: criteria provided, single submitter. Criteria: Myriad Autosomal Dominant, Autosomal Recessive and X-Linked Classification Criteria (2023). Collection method: clinical testing. Allele origin: unknown.
Comment: NM_000426.3(LAMA2):c.1291A>T(K431*) is expected to be pathogenic in the context of muscular dystrophy, LAMA2-related. This variant is predicted to lead to an abnormal or absent protein product due to the creation of a premature termination codon in LAMA2, a gene where loss-of-function variants are known to be pathogenic. Please note: this variant was assessed in the context of healthy population screening.

Revvity Omics, Revvity
Classification: Likely pathogenic. Last evaluated: 2023-06-30. Review status: criteria provided, single submitter. Criteria: ACMG Guidelines, 2015. Collection method: clinical testing. Allele origin: germline.

Literature cited by the submitters: PubMed 18700894 (cited by Labcorp Genetics (formerly Invitae), Labcorp); PubMed 32904964 (cited by Labcorp Genetics (formerly Invitae), Labcorp).